The following is an entry in ClinVar:

ClinVar aggregate classification (germline): Likely benign. Review status: criteria provided, multiple submitters, no conflicts (2 of 4 stars). 3 submissions from 3 submitters: Likely benign (2). 1 of the submissions does not count toward it. Last evaluated 2025-04-26.

Conditions:
TBCE-related disorder. Also called: TBCE-related disorders; TBCE-related condition.

Allele frequency attached by ClinVar (database versions not stated): ExAC 0.00001; gnomAD 0.00005; TOPMed 0.00005.
gnomAD v4.1: 44 of 1,613,962 alleles (0.0027%); highest among the groups gnomAD compares: South Asian, 0.015%; 1 homozygote.

Submissions (3):

Labcorp Genetics (formerly Invitae), Labcorp
Classification: Likely benign. Last evaluated: 2025-04-26. Review status: criteria provided, single submitter. Criteria: Invitae Variant Classification Sherloc (09022015). Collection method: clinical testing. Allele origin: germline.

CeGaT Center for Human Genetics Tuebingen
Classification: Likely benign. Last evaluated: 2023-12-01. Review status: criteria provided, single submitter. Criteria: CeGaT Center For Human Genetics Tuebingen Variant Classification Criteria Version 2. Collection method: clinical testing. Allele origin: germline. Affected: yes. Observed: 2 variant alleles.
Comment: TBCE: BP4, BP7

PreventionGenetics, part of Exact Sciences
Classification: Likely benign for TBCE-related condition. Last evaluated: 2024-05-17. Review status: no assertion criteria provided. Collection method: clinical testing. Allele origin: germline. Not counted in ClinVar's aggregate classification.
Comment: This variant is classified as likely benign based on ACMG/AMP sequence variant interpretation guidelines (Richards et al. 2015 PMID: 25741868, with internal and published modifications).

NM_003193.5(TBCE):c.1224C>T (p.Ser408=)

Gene: TBCE (tubulin folding cofactor E; plus strand). Cytogenetic location: 1q42.3.
Variant type: single nucleotide variant.
Coding change: c.1224C>T on transcript NM_003193.5 (MANE Select); coding-DNA position 1224, C replaced by T.
Protein change: p.Ser408=; no amino-acid change (serine 408 retained).
Molecular consequence: synonymous variant.
Genome position (GRCh38, 1-based): chr1:235,438,876, C>T. VCF-style: chr1-235438876-C-T. GRCh37 (hg19) VCF-style: chr1-235602191-C-T.
Other names: c.1224C>T, p.Ser408= (NM_001079515.3); c.1377C>T, p.Ser459= (NM_001287801.2); c.885C>T, p.Ser295= (NM_001287802.2); c.1377C>T (NM_001287801.1).
Identifiers: ClinVar variation 2640095 (VCV002640095.27), dbSNP rs753639709, ClinGen allele CA1464382.